The following is an entry in ClinVar:

ClinVar aggregate classification (germline): Pathogenic (1 of 4 stars; one submission).

Submission:

Labcorp Genetics (formerly Invitae), Labcorp
Classification: Pathogenic. Last evaluated: 2023-09-09. Review status: criteria provided, single submitter. Criteria: Invitae Variant Classification Sherloc (09022015). Collection method: clinical testing. Allele origin: germline.
Comment: This variant is a gross deletion of the genomic region encompassing exon(s) 40 of the UBR1 gene. This deletion is out-of-frame, and is expected to create a premature termination codon and result in an absent or disrupted protein product. Loss-of-function variants in UBR1 are known to be pathogenic (PMID: 24599544). This variant has not been reported in the literature in individuals affected with UBR1-related conditions. For these reasons, this variant has been classified as Pathogenic.

Literature cited by the submitters: PubMed 24599544.

NC_000015.9:g.(?_43262698)_(43262825_?)del

Gene: UBR1 (ubiquitin protein ligase E3 component n-recognin 1; minus strand). Cytogenetic location: 15q15.2.
Variant type: Deletion.
Identifiers: ClinVar variation 1457170 (VCV001457170.4).